The following is an entry in ClinVar:

ClinVar aggregate classification (germline): Uncertain significance (1 of 4 stars; one submission).

Conditions:
Cardiovascular phenotype. Identifiers: MedGen CN230736.

gnomAD v4.1: 1 of 1,210,437 alleles (0.000083%); highest among the groups gnomAD compares: Non-Finnish European, 0.00011%; no homozygotes.

Submission:

Ambry Genetics
Classification: Uncertain significance for Cardiovascular phenotype. Last evaluated: 2026-02-24. Review status: criteria provided, single submitter. Criteria: Ambry Variant Classification Scheme 2023. Collection method: clinical testing. Allele origin: germline.
Comment: The p.A1465D variant (also known as c.4394C>A), located in coding exon 32 of the DMD gene, results from a C to A substitution at nucleotide position 4394. The alanine at codon 1465 is replaced by aspartic acid, an amino acid with dissimilar properties. This amino acid position is conserved. In addition, the in silico prediction for this alteration is inconclusive. Based on the available evidence, the clinical significance of this variant remains unclear.

NM_004006.3(DMD):c.4394C>A (p.Ala1465Asp)

Gene: DMD (dystrophin; minus strand). Cytogenetic location: Xp21.1.
Variant type: single nucleotide variant.
Coding change: c.4394C>A on transcript NM_004006.3 (MANE Select); coding-DNA position 4394, C replaced by A.
Protein change: p.Ala1465Asp; replaces alanine 1465 with aspartic acid.
Molecular consequence: missense variant.
Genome position (GRCh38, 1-based): chrX:32,389,625, G>T on the plus strand (C>A on the coding strand, the complement: DMD is on the minus strand). VCF-style: chrX-32389625-G-T. GRCh37 (hg19) VCF-style: chrX-32407742-G-T.
Other names: c.362C>A, p.Ala121Asp (NM_004012.4); c.4370C>A, p.Ala1457Asp (NM_000109.4); c.4382C>A, p.Ala1461Asp (NM_004009.3); c.4025C>A, p.Ala1342Asp (NM_004010.3); c.371C>A, p.Ala124Asp (NM_004011.4); short protein forms A1465D, A1457D, A121D, A124D, A1342D, A1461D.
Identifiers: ClinVar variation 4826529 (VCV004826529.1).